The following is an entry in ClinVar:

NM_001347721.2(DYRK1A):c.1642C>G (p.Gln548Glu)

Gene: DYRK1A (dual specificity tyrosine phosphorylation regulated kinase 1A; plus strand). Cytogenetic location: 21q22.13.
Variant type: single nucleotide variant.
Coding change: c.1642C>G on transcript NM_001347721.2 (MANE Select); coding-DNA position 1642, C replaced by G.
Protein change: p.Gln548Glu; replaces glutamine 548 with glutamic acid.
Molecular consequence: missense variant. On other transcripts: intron variant (1).
Genome position (GRCh38, 1-based): chr21:37,506,221, C>G. VCF-style: chr21-37506221-C-G. GRCh37 (hg19) VCF-style: chr21-38878524-C-G.
Other names: c.1642C>G, p.Gln548Glu (NM_001347722.2, NM_130436.2); c.1555C>G, p.Gln519Glu (NM_001347723.2); c.1669C>G, p.Gln557Glu (NM_001396.5, NM_101395.2); c.1546+632C>G (NM_130438.2); short protein forms Q557E, Q548E, Q519E.
Identifiers: ClinVar variation 430550 (VCV000430550.7), dbSNP rs1131692019, ClinGen allele CA409939048.

ClinVar aggregate classification (germline): Conflicting classifications of pathogenicity. Review status: criteria provided, conflicting classifications (1 of 4 stars). 2 submissions from 2 submitters: Uncertain significance (1); Likely benign (1). Last evaluated 2025-10-26.

Conditions:
DYRK1A-related intellectual disability syndrome (MRD7). Also called: DYRK1A Syndrome; Intellectual developmental disorder, autosomal dominant 7. Identifiers: Orphanet 464306, MedGen C5568143, MONDO:0013578, OMIM 614104.

Allele frequency attached by ClinVar (database versions not stated): gnomAD exomes below 0.00001; TOPMed below 0.00001; gnomAD 0.00001.
gnomAD v4.1: 4 of 1,613,954 alleles (0.00025%); highest among the groups gnomAD compares: African/African-American, 0.004%; no homozygotes.

Submissions (2):

Labcorp Genetics (formerly Invitae), Labcorp
Classification: Likely benign for DYRK1A-related intellectual disability syndrome. Last evaluated: 2025-10-26. Review status: criteria provided, single submitter. Criteria: Invitae Variant Classification Sherloc (09022015). Collection method: clinical testing. Allele origin: germline.

GeneDx
Classification: Uncertain significance. Last evaluated: 2017-06-01. Review status: criteria provided, single submitter. Criteria: GeneDx Variant Classification (06012015). Collection method: clinical testing. Allele origin: germline. Affected: yes.
Comment: A variant of uncertain significance has been identified in the DYRK1A gene. The Q557E variant has not been published as a pathogenic variant, nor has it been reported as a benign variant to our knowledge. The Q557E variant is not observed in large population cohorts (Lek et al., 2016; 1000 Genomes Consortium et al., 2015; Exome Variant Server). The Q557E variant is a semi-conservative amino acid substitution, which may impact secondary protein structure as these residues differ in some properties. This substitution occurs at a position that is conserved across species. In silico analysis is inconsistent in its predictions as to whether or not the variant is damaging to the protein structure/function. Based on the currently available information, it is unclear whether this variant is a pathogenic variant or a rare benign variant.